The following is an entry in ClinVar:

ClinVar aggregate classification (germline): Uncertain significance (1 of 4 stars; one submission).

Conditions:
Cardiovascular phenotype. Identifiers: MedGen CN230736.

Submission:

Ambry Genetics
Classification: Uncertain significance for Cardiovascular phenotype. Last evaluated: 2025-11-21. Review status: criteria provided, single submitter. Criteria: Ambry Variant Classification Scheme 2023. Collection method: clinical testing. Allele origin: germline.
Comment: The c.2152+1G>A intronic variant results from a G to A substitution one nucleotide after coding exon 16 of the LAMA4 gene. This nucleotide position is highly conserved in available vertebrate species. In silico splice site analysis predicts that this alteration will weaken the native splice donor site. The evidence for this gene-disease relationship is limited; therefore, the clinical significance of this alteration is unclear.

NM_001105206.3(LAMA4):c.2173+1G>A

Gene: LAMA4 (laminin subunit alpha 4; minus strand). Cytogenetic location: 6q21.
Variant type: single nucleotide variant.
Coding change: c.2173+1G>A on transcript NM_001105206.3 (MANE Select); the canonical splice donor site of the intron after coding-DNA position 2173, G replaced by A.
Molecular consequence: splice donor variant.
Genome position (GRCh38, 1-based): chr6:112,150,510, C>T on the plus strand (G>A on the coding strand, the complement: LAMA4 is on the minus strand). VCF-style: chr6-112150510-C-T. GRCh37 (hg19) VCF-style: chr6-112471712-C-T.
Other names: c.2152+1G>A (NM_002290.5, NM_001105207.3).
Identifiers: ClinVar variation 4614453 (VCV004614453.1).